The following is an entry in ClinVar:

ClinVar aggregate classification (germline): Uncertain significance (1 of 4 stars; one submission).

Conditions:
Intellectual developmental disorder, X-linked 105. Also called: Intellectual disability, X-linked 105. Identifiers: MedGen C4310816, MONDO:0010510, OMIM 300984.

Submission:

Juno Genomics, Hangzhou Juno Genomics, Inc
Classification: Uncertain significance for Intellectual developmental disorder, X-linked 105. Review status: criteria provided, single submitter. Criteria: ACMG Guidelines, 2015. Collection method: clinical testing. Allele origin: germline.
Comment: Absent from controls (or at extremely low frequency if recessive) in Genome Aggregation Database.

NM_001145073.3(USP27X):c.190C>A (p.Pro64Thr)

Gene: USP27X (ubiquitin specific peptidase 27 X-linked; plus strand). Cytogenetic location: Xp11.23.
Variant type: single nucleotide variant.
Coding change: c.190C>A on transcript NM_001145073.3 (MANE Select); coding-DNA position 190, C replaced by A.
Protein change: p.Pro64Thr; replaces proline 64 with threonine.
Molecular consequence: missense variant.
Genome position (GRCh38, 1-based): chrX:49,880,497, C>A. VCF-style: chrX-49880497-C-A. GRCh37 (hg19) VCF-style: chrX-49645100-C-A.
Other names: short protein forms P64T.
Identifiers: ClinVar variation 5019682 (VCV005019682.2).